The following is an entry in ClinVar:

NM_005379.4(MYO1A):c.1882C>G (p.Arg628Gly)

Gene: MYO1A (myosin IA; minus strand). Cytogenetic location: 12q13.3.
Variant type: single nucleotide variant.
Coding change: c.1882C>G on transcript NM_005379.4 (MANE Select); coding-DNA position 1882, C replaced by G.
Protein change: p.Arg628Gly; replaces arginine 628 with glycine.
Molecular consequence: missense variant.
Genome position (GRCh38, 1-based): chr12:57,037,948, G>C on the plus strand (C>G on the coding strand, the complement: MYO1A is on the minus strand). VCF-style: chr12-57037948-G-C. GRCh37 (hg19) VCF-style: chr12-57431732-G-C.
Other names: c.1882C>G, p.Arg628Gly (NM_001256041.2); short protein forms R628G.
Identifiers: ClinVar variation 164590 (VCV000164590.7), dbSNP rs151187460, ClinGen allele CA177305.

ClinVar aggregate classification (germline): Likely benign. Review status: criteria provided, multiple submitters, no conflicts (2 of 4 stars). 5 submissions from 5 submitters: Likely benign (3). 2 of the submissions do not count toward it. Last evaluated 2017-12-19.

Conditions:
MYO1A-related disorder. Also called: MYO1A-related condition.
Autosomal dominant nonsyndromic hearing loss 48. Also called: DEAFNESS, AUTOSOMAL DOMINANT 48. Identifiers: Orphanet 90635, MedGen C1842939, MONDO:0011920, OMIM 607841.

Allele frequency attached by ClinVar (database versions not stated): 1000 Genomes Project 30x 0.00016; TOPMed 0.00110; ESP Exome Variant Server 0.00146.
gnomAD v4.1: 1,822 of 1,614,158 alleles (0.11%); highest among the groups gnomAD compares: Middle Eastern, 0.43%; 9 homozygotes.

Submissions (5):

GeneDx
Classification: Likely benign. Last evaluated: 2017-12-19. Review status: criteria provided, single submitter. Criteria: GeneDx Variant Classification (06012015). Collection method: clinical testing. Allele origin: germline. Affected: yes.
Comment: This variant is considered likely benign or benign based on one or more of the following criteria: it is a conservative change, it occurs at a poorly conserved position in the protein, it is predicted to be benign by multiple in silico algorithms, and/or has population frequency not consistent with disease.

Laboratory for Molecular Medicine, Mass General Brigham Personalized Medicine
Classification: Likely benign. Last evaluated: 2013-08-06. Review status: criteria provided, single submitter. Criteria: LMM Criteria. Collection method: clinical testing. Allele origin: germline. Observed: 1 variant allele.
Comment: Arg628Gly in Exon 18 of MYO1A: This variant is not expected to have clinical si gnificance because it has been identified in 0.2% (19/8600) European American ch romosomes by the NHLBI Exome Sequencing Project (S/; dbSNP rs151187460).

Breakthrough Genomics
Classification: Likely benign. Review status: criteria provided, single submitter. Criteria: ACMG Guidelines, 2015. Collection method: not provided. Allele origin: germline. Inheritance: Unknown mechanism. Affected: yes.

PreventionGenetics, part of Exact Sciences
Classification: Likely benign for MYO1A-related condition. Last evaluated: 2020-01-13. Review status: no assertion criteria provided. Collection method: clinical testing. Allele origin: germline. Not counted in ClinVar's aggregate classification.
Comment: This variant is classified as likely benign based on ACMG/AMP sequence variant interpretation guidelines (Richards et al. 2015 PMID: 25741868, with internal and published modifications).

Biesecker Lab/Clinical Genomics Section, National Institutes of Health
Classification: Likely benign for Autosomal dominant nonsyndromic hearing loss 48. Last evaluated: 2016-05-10. Review status: no assertion criteria provided. Collection method: research. Allele origin: germline. Affected: no. Observed: 4 heterozygotes. Clinical features observed: Auditory acuity. Study: ClinSeq. Not counted in ClinVar's aggregate classification.